The following is an entry in ClinVar:

NM_007194.4(CHEK2):c.46dup (p.Ser16fs)

Gene: CHEK2 (checkpoint kinase 2; minus strand). Cytogenetic location: 22q12.1.
Variant type: Duplication.
Coding change: c.46dup on transcript NM_007194.4 (MANE Select); coding-DNA position 46, one base duplicated (A; older notation c.46dupA).
Protein change: p.Ser16fs; shifts the reading frame from serine 16.
Molecular consequence: frameshift variant.
Genome position (GRCh38, 1-based): chr22:28,734,676, T duplicated on the plus strand (A on the coding strand, the reverse complement: CHEK2 is on the minus strand). VCF-style (leftmost placement, unchanged base first): chr22-28734675-C-CT. GRCh37 (hg19) VCF-style: chr22-29130663-C-CT.
Other names: c.46dup, p.Ser16Lysfs (NM_001005735.3, NM_001349956.3, NM_145862.3); c.-732dup (NM_001257387.3); short protein forms S16fs.
Identifiers: ClinVar variation 2583836 (VCV002583836.2), dbSNP rs2518135447, ClinGen allele CA2582342781.

ClinVar aggregate classification (germline): Pathogenic (1 of 4 stars; one submission).

Conditions:
Familial cancer of breast. Also called: BREAST CANCER, FAMILIAL; hereditary breast carcinoma; Hereditary breast cancer. Identifiers: Orphanet 227535, MedGen C0346153, MONDO:0016419, OMIM 114480. Disease mechanism: loss of function.

Submission:

Myriad Genetics, Inc.
Classification: Pathogenic for Familial cancer of breast. Last evaluated: 2023-05-30. Review status: criteria provided, single submitter. Criteria: Myriad Autosomal Dominant, Autosomal Recessive and X-Linked Classification Criteria (2023). Collection method: clinical testing. Allele origin: unknown.
Comment: This variant is considered pathogenic. This variant creates a frameshift predicted to result in premature protein truncation.